The following is an entry in ClinVar:

NM_000090.4(COL3A1):c.4255-10T>G

Gene: COL3A1 (collagen type III alpha 1 chain; plus strand). Cytogenetic location: 2q32.2.
Variant type: single nucleotide variant.
Coding change: c.4255-10T>G on transcript NM_000090.4 (MANE Select); 10 bases into the intron before coding-DNA position 4255, T replaced by G.
Molecular consequence: intron variant.
Genome position (GRCh38, 1-based): chr2:189,011,618, T>G. VCF-style: chr2-189011618-T-G. GRCh37 (hg19) VCF-style: chr2-189876344-T-G.
Other names: c.4255-10T>G (NM_000090.3).
Identifiers: ClinVar variation 2413875 (VCV002413875.10), dbSNP rs751278507, ClinGen allele CA076523.

ClinVar aggregate classification (germline): Conflicting classifications of pathogenicity. Review status: criteria provided, conflicting classifications (1 of 4 stars). 3 submissions from 3 submitters: Uncertain significance (1); Likely benign (2). Last evaluated 2025-01-21.

Conditions:
Ehlers-Danlos syndrome, type 4 (EDSVASC). Also called: Ehlers-Danlos syndrome vascular type; Ehlers Danlos syndrome, ecchymotic type; Ehlers Danlos syndrome, arterial type; Ehlers Danlos syndrome, Sack-Barabas type; Ehlers-Danlos Syndrome Type IV. Identifiers: Orphanet 286, MedGen C0268338, MONDO:0017314, OMIM 130050.
COL3A1-related disorder. Also called: COL3A1-related condition.

Allele frequency attached by ClinVar (database versions not stated): ExAC 0.00001.
gnomAD v4.1: 1 of 1,613,802 alleles (0.000062%); highest among the groups gnomAD compares: Admixed American, 0.0017%; no homozygotes.

Submissions (3):

PreventionGenetics, part of Exact Sciences
Classification: Likely benign for COL3A1-related condition. Last evaluated: 2025-01-21. Review status: criteria provided, single submitter. Criteria: ACMG Guidelines, 2015. Collection method: clinical testing. Allele origin: germline.
Comment: This variant is classified as likely benign based on ACMG/AMP sequence variant interpretation guidelines (Richards et al. 2015 PMID: 25741868, with internal and published modifications).

All of Us Research Program, National Institutes of Health
Classification: Uncertain significance for Ehlers-Danlos syndrome, type 4. Last evaluated: 2023-12-18. Review status: criteria provided, single submitter. Criteria: ACMG Guidelines, 2015. Collection method: clinical testing. Allele origin: germline. Inheritance: Autosomal dominant inheritance. Observed: 2 variant alleles, 2 heterozygotes.
Comment: This variant causes a T to G nucleotide substitution at the -10 position of intron 50 of the COL3A1 gene. To our knowledge, functional studies have not been reported for this variant. This variant has not been reported in individuals affected with COL3A1-related disorders in the literature. This variant has been identified in 1/251292 chromosomes in the general population by the Genome Aggregation Database (gnomAD). The available evidence is insufficient to determine the role of this variant in disease conclusively. Therefore, this variant is classified as a Variant of Uncertain Significance.

This study involves interpretation of variants in research participants for the purpose of population health screening. Participant phenotype was not available at the time of variant classification. Additional details can be found in publication PMID: 35346344, PMCID: PMC8962531

Labcorp Genetics (formerly Invitae), Labcorp
Classification: Likely benign for Ehlers-Danlos syndrome, type 4. Last evaluated: 2023-06-22. Review status: criteria provided, single submitter. Criteria: Invitae Variant Classification Sherloc (09022015). Collection method: clinical testing. Allele origin: germline.